The following is an entry in ClinVar:

ClinVar aggregate classification (germline): Pathogenic. Review status: criteria provided, single submitter (1 of 4 stars). 3 submissions from 3 submitters: Pathogenic (1). 2 of the submissions do not count toward it. Last evaluated 2024-06-19.

Conditions:
Walker-Warburg congenital muscular dystrophy. Also called: Muscular dystrophy-dystroglycanopathy, type A; Walker-Warburg syndrome. Identifiers: Orphanet 899, MedGen C0265221, MONDO:0000171.
Muscular dystrophy-dystroglycanopathy (congenital with brain and eye anomalies), type A, 4 (MDDGA4). Also called: Walker-Warburg Syndrome, Fktn-Related; Muscular dystrophy, congenital progressive, with mental retardation; Muscular dystrophy, congenital, with central nervous system involvement; Cerebromuscular dystrophy, Fukuyama type; Congenital muscular dystrophy-dystroglycanopathy with brain and eye anomalies, type A4; WALKER-WARBURG SYNDROME OR MUSCLE-EYE-BRAIN DISEASE, FKTN-RELATED. Identifiers: Orphanet 272, Orphanet 588, Orphanet 899, MedGen C0410174, MONDO:0009678, OMIM 253800.
Muscular dystrophy-dystroglycanopathy (congenital without impaired intellectual development), type B, 4. Also called: Muscular dystrophy-dystroglycanopathy (congenital without intellectual disability), type B4; MUSCULAR DYSTROPHY, CONGENITAL, FKTN-RELATED. Identifiers: MedGen C2751052, MONDO:0013156, OMIM 613152.

Allele frequency attached by ClinVar (database versions not stated): gnomAD 0.00001; gnomAD exomes below 0.00001; TOPMed below 0.00001.

Submissions (3):

Labcorp Genetics (formerly Invitae), Labcorp
Classification: Pathogenic for Walker-Warburg congenital muscular dystrophy. Last evaluated: 2024-06-19. Review status: criteria provided, single submitter. Criteria: Invitae Variant Classification Sherloc (09022015). Collection method: clinical testing. Allele origin: germline.
Comment: This sequence change creates a premature translational stop signal (p.Leu15*) in the FKTN gene. It is expected to result in an absent or disrupted protein product. Loss-of-function variants in FKTN are known to be pathogenic (PMID: 17044012, 17878207, 18752264). This variant is present in population databases (no rsID available, gnomAD 0.004%). This premature translational stop signal has been observed in individual(s) with muscular dystrophy (PMID: 19396839). ClinVar contains an entry for this variant (Variation ID: 555661). For these reasons, this variant has been classified as Pathogenic.

Counsyl
Classification: Likely pathogenic for Muscular dystrophy-dystroglycanopathy (congenital with brain and eye anomalies), type A, 4. Last evaluated: 2017-12-27. Review status: no assertion criteria provided. Collection method: clinical testing. Allele origin: unknown. Not counted in ClinVar's aggregate classification.

OMIM
Classification: Pathogenic for MUSCULAR DYSTROPHY-DYSTROGLYCANOPATHY (CONGENITAL WITHOUT IMPAIRED INTELLECTUAL DEVELOPMENT), TYPE B, 4. Last evaluated: 2009-05-26. Review status: no assertion criteria provided. Collection method: literature only. Allele origin: germline. Not counted in ClinVar's aggregate classification.

Literature cited by the submitters: PubMed 17044012 (cited by Labcorp Genetics (formerly Invitae), Labcorp); PubMed 17878207 (cited by Labcorp Genetics (formerly Invitae), Labcorp); PubMed 18752264 (cited by Labcorp Genetics (formerly Invitae), Labcorp); PubMed 19396839 (cited by Labcorp Genetics (formerly Invitae), Labcorp and Counsyl); PubMed 19299310 (cited by OMIM).

NM_001079802.2(FKTN):c.42del (p.Thr14_Leu15insTer)

Gene: FKTN (fukutin; plus strand). Cytogenetic location: 9q31.2.
Variant type: Deletion.
Coding change: c.42del on transcript NM_001079802.2 (MANE Select); coding-DNA position 42, one base deleted (G; older notation c.42delG).
Protein change: p.Thr14_Leu15insTer.
Molecular consequence: frameshift variant. On other transcripts: non-coding transcript variant (2), 5 prime UTR variant (5).
Genome position (GRCh38, 1-based): chr9:105,575,074, G deleted. VCF-style (leftmost placement, unchanged base first): chr9-105575073-CG-C. GRCh37 (hg19) VCF-style: chr9-108337354-CG-C.
Other names: c.42del, p.Thr14_Leu15insTer (NM_001198963.2, NM_001351496.2, NM_001351498.2 and 1 more transcripts); c.-126del (NM_001351497.2); c.-473del (NM_001351499.2, NM_001351500.2, NM_001351501.2 and 1 more transcripts); c.42delG (NM_001079802.1).
Identifiers: ClinVar variation 555661 (VCV000555661.12), dbSNP rs1309132512, ClinGen allele CA589853407.